The following is an entry in ClinVar:

ClinVar aggregate classification (germline): Likely pathogenic (1 of 4 stars; one submission).

Conditions:
Hereditary cancer-predisposing syndrome. Also called: Neoplastic Syndromes, Hereditary; Tumor predisposition; Hereditary Cancer Syndrome; Hereditary neoplastic syndrome. Identifiers: Orphanet 140162, MedGen C0027672, MeSH D009386, MONDO:0015356.

Submission:

Ambry Genetics
Classification: Likely pathogenic for Hereditary cancer-predisposing syndrome. Last evaluated: 2025-12-31. Review status: criteria provided, single submitter. Criteria: Ambry Variant Classification Scheme 2023. Collection method: clinical testing. Allele origin: germline.
Comment: The c.1957dupA variant, located in coding exon 10 of the BARD1 gene, results from a duplication of A at nucleotide position 1957, causing a translational frameshift with a predicted alternate stop codon (p.I653Nfs*3). This alteration occurs at the 3' terminus of the gene, is not expected to trigger nonsense-mediated mRNA decay, and impacts the last 16% of the protein. However, premature stop codons are typically deleterious in nature and a significant portion of the protein is affected (Ambry internal data). This variant is considered to be rare based on population cohorts in the Genome Aggregation Database (gnomAD). Based on the majority of available evidence to date, this variant is likely to be pathogenic.

NM_000465.4(BARD1):c.1957dup (p.Ile653fs)

Gene: BARD1 (BRCA1 associated RING domain 1; minus strand). Cytogenetic location: 2q35.
Variant type: Duplication.
Coding change: c.1957dup on transcript NM_000465.4 (MANE Select); coding-DNA position 1957, one base duplicated (A; older notation c.1957dupA).
Protein change: p.Ile653fs; shifts the reading frame from isoleucine 653.
Molecular consequence: frameshift variant. On other transcripts: non-coding transcript variant (3).
Genome position (GRCh38, 1-based): chr2:214,730,455, T duplicated on the plus strand (A on the coding strand, the reverse complement: BARD1 is on the minus strand); the first of 3 consecutive T bases (chr2:214,730,455-214,730,457); duplicating any one gives the same sequence. VCF-style (leftmost placement, unchanged base first): chr2-214730454-A-AT. GRCh37 (hg19) VCF-style: chr2-215595178-A-AT.
Other names: c.418dup, p.Ile140fs (NM_001282549.2); c.1900dup, p.Ile634fs (NM_001282543.2); c.604dup, p.Ile202fs (NM_001282545.2); c.547dup, p.Ile183fs (NM_001282548.2); short protein forms I634fs, I202fs, I183fs, I653fs, I140fs.
Identifiers: ClinVar variation 4842584 (VCV004842584.1).